The following is an entry in ClinVar:

NM_018834.6(MATR3):c.85C>T (p.Leu29Phe)

Gene: MATR3 (matrin 3; plus strand). Cytogenetic location: 5q31.2.
Variant type: single nucleotide variant.
Coding change: c.85C>T on transcript NM_018834.6 (MANE Select); coding-DNA position 85, C replaced by T.
Protein change: p.Leu29Phe; replaces leucine 29 with phenylalanine.
Molecular consequence: missense variant. On other transcripts: intron variant (2).
Genome position (GRCh38, 1-based): chr5:139,307,500, C>T. VCF-style: chr5-139307500-C-T. GRCh37 (hg19) VCF-style: chr5-138643189-C-T.
Other names: c.85C>T, p.Leu29Phe (NM_001194954.2, NM_001194955.2, NM_199189.3); c.-102-7175C>T (NM_001282278.2); c.49-7175C>T (NM_001194956.2); short protein forms L29F.
Identifiers: ClinVar variation 1036304 (VCV001036304.11), dbSNP rs1754770320, ClinGen allele CA361486480.

ClinVar aggregate classification (germline): Uncertain significance (1 of 4 stars; one submission).

Conditions:
Amyotrophic lateral sclerosis type 21. Also called: MYOPATHY, DISTAL, 2; VOCAL CORD AND PHARYNGEAL DYSFUNCTION WITH DISTAL MYOPATHY. Identifiers: Orphanet 600, Orphanet 803, MedGen C3807521, MONDO:0011632, OMIM 606070.

Submission:

Labcorp Genetics (formerly Invitae), Labcorp
Classification: Uncertain significance for Amyotrophic lateral sclerosis type 21. Last evaluated: 2023-11-27. Review status: criteria provided, single submitter. Criteria: Invitae Variant Classification Sherloc (09022015). Collection method: clinical testing. Allele origin: germline.
Comment: This sequence change replaces leucine, which is neutral and non-polar, with phenylalanine, which is neutral and non-polar, at codon 29 of the MATR3 protein (p.Leu29Phe). This variant is not present in population databases (gnomAD no frequency). This missense change has been observed in individual(s) with clinical features of distal myopathy (Invitae). It has also been observed to segregate with disease in related individuals. ClinVar contains an entry for this variant (Variation ID: 1036304). An algorithm developed to predict the effect of missense changes on protein structure and function (PolyPhen-2) suggests that this variant is likely to be tolerated. In summary, the available evidence is currently insufficient to determine the role of this variant in disease. Therefore, it has been classified as a Variant of Uncertain Significance.